The following is an entry in ClinVar:

ClinVar aggregate classification (germline): Likely pathogenic. Review status: criteria provided, multiple submitters, no conflicts (2 of 4 stars). 3 submissions from 3 submitters: Likely pathogenic (2). 1 of the submissions does not count toward it. Last evaluated 2026-02-01.

Conditions:
Snijders Blok-Campeau syndrome. Also called: INTELLECTUAL DEVELOPMENTAL DISORDER WITH MACROCEPHALY, SPEECH DELAY, AND DYSMORPHIC FACIES. Identifiers: Orphanet 599082, MedGen C4748701, MONDO:0032600, OMIM 618205.
Intellectual disability. Also called: Intellectual functioning disability; intellectual disabilities; Intellectual developmental disorder. Identifiers: MedGen C3714756, MeSH D008607, MONDO:0001071, HP:0001249.

Submissions (3):

CeGaT Center for Human Genetics Tuebingen
Classification: Likely pathogenic. Last evaluated: 2026-02-01. Review status: criteria provided, single submitter. Criteria: CeGaT Center For Human Genetics Tuebingen Variant Classification Criteria Version 2. Collection method: clinical testing. Allele origin: germline. Affected: yes. Observed: 1 variant allele.
Comment: CHD3: PM1, PM2, PP2, PP3, PS2:Supporting, PS4:Supporting

SIB Swiss Institute of Bioinformatics
Classification: Likely pathogenic for Snijders Blok-Campeau syndrome. Last evaluated: 2019-02-19. Review status: criteria provided, single submitter. Criteria: ACMG Guidelines, 2015. Collection method: curation. Allele origin: unknown.
Comment: This variant is interpreted as a Likely pathogenic for Snijders Blok-Campeau syndrome, autosomal dominant. The following ACMG Tag(s) were applied: PM2 : Absent from controls (or at extremely low frequency if recessive) in Exome Sequencing Project, 1000 Genomes Project, or Exome Aggregation Consortium. PM6 : Assumed de novo, but without confirmation of paternity and maternity (PMID:30397230). PM1-supporting : PM1 downgraded in strength to Supporting. PP2 : Missense variant in a gene that has a low rate of benign missense variation and in which missense variants are a common mechanism of disease.

CHU Sainte-Justine Research Center, University of Montreal
Classification: Likely pathogenic for Intellectual disability. Last evaluated: 2018-05-03. Review status: no assertion criteria provided. Collection method: research. Allele origin: germline. Affected: yes. Not counted in ClinVar's aggregate classification.

Literature cited by the submitters: PubMed 30397230 (cited by SIB Swiss Institute of Bioinformatics).

NM_001005273.3(CHD3):c.2882G>A (p.Gly961Glu)

Gene: CHD3 (chromodomain helicase DNA binding protein 3; plus strand). Cytogenetic location: 17p13.1.
Variant type: single nucleotide variant.
Coding change: c.2882G>A on transcript NM_001005273.3 (MANE Select); coding-DNA position 2882, G replaced by A.
Protein change: p.Gly961Glu; replaces glycine 961 with glutamic acid.
Molecular consequence: missense variant.
Genome position (GRCh38, 1-based): chr17:7,900,635, G>A. VCF-style: chr17-7900635-G-A. GRCh37 (hg19) VCF-style: chr17-7803953-G-A.
Other names: c.3059G>A, p.Gly1020Glu (NM_001005271.3); c.2882G>A, p.Gly961Glu (NM_005852.4); short protein forms G961E, G1020E.
Identifiers: ClinVar variation 549732 (VCV000549732.6), dbSNP rs1567856045, ClinGen allele CA397940566.
Genomic context (GRCh38, chr17:7,900,635, plus strand): 5'-TGGAGGAGTTTGCTGACATATCCAAAGAGGACCAGATCAAGAAACTGCATGATTTGCTGG[G>A]GCCACACATGCTGCGGAGACTCAAGGCAGATGTCTTTAAGAACATGCCAGCCAAGACAGA-3'
Protein context (NP_001005273.1, residues 951-971): DQIKKLHDLL[Gly961Glu]PHMLRRLKAD